The following is an entry in ClinVar:

NM_001267550.2(TTN):c.106240G>C (p.Glu35414Gln)

Genes: TTN-AS1 (TTN antisense RNA 1; plus strand), TTN (titin; minus strand). Cytogenetic location: 2q31.2.
Variant type: single nucleotide variant.
Coding change: c.106240G>C on transcript NM_001267550.2 (MANE Select); coding-DNA position 106240, G replaced by C.
Protein change: p.Glu35414Gln; replaces glutamic acid 35414 with glutamine.
Molecular consequence: missense variant.
Genome position (GRCh38, 1-based): chr2:178,530,375, C>G on the plus strand (G>C on the coding strand, the complement: TTN is on the minus strand). VCF-style: chr2-178530375-C-G. GRCh37 (hg19) VCF-style: chr2-179395102-C-G.
Other names: c.101317G>C, p.Glu33773Gln (NM_001256850.1); c.79045G>C, p.Glu26349Gln (NM_003319.4); c.98536G>C, p.Glu32846Gln (NM_133378.4); c.79420G>C, p.Glu26474Gln (NM_133432.3); c.79621G>C, p.Glu26541Gln (NM_133437.4); short protein forms E35414Q, E33773Q, E26474Q, E32846Q, E26349Q, E26541Q.
Identifiers: ClinVar variation 566747 (VCV000566747.9), dbSNP rs1558984927, ClinGen allele CA349406469.

ClinVar aggregate classification (germline): Uncertain significance (1 of 4 stars; one submission).

Conditions:
Dilated cardiomyopathy 1G (CMD1G). Identifiers: Orphanet 154, MedGen C1858763, MONDO:0011400, OMIM 604145.
Autosomal recessive limb-girdle muscular dystrophy type 2J (LGMDR10). Also called: MUSCULAR DYSTROPHY, LIMB-GIRDLE, AUTOSOMAL RECESSIVE 10; Limb-girdle muscular dystrophy, type 2J. Identifiers: Orphanet 140922, MedGen C1837342, MONDO:0012127, OMIM 608807.

Submission:

Labcorp Genetics (formerly Invitae), Labcorp
Classification: Uncertain significance for Dilated cardiomyopathy 1G; Autosomal recessive limb-girdle muscular dystrophy type 2J. Last evaluated: 2022-08-16. Review status: criteria provided, single submitter. Criteria: Invitae Variant Classification Sherloc (09022015). Collection method: clinical testing. Allele origin: germline.
Comment: This variant is located in the M band of TTN (PMID: 25589632). Variants in this region may be relevant for neuromuscular disorders, but have not been definitively shown to cause cardiomyopathy (PMID: 23975875). This sequence change replaces glutamic acid, which is acidic and polar, with glutamine, which is neutral and polar, at codon 35414 of the TTN protein (p.Glu35414Gln). This variant is not present in population databases (gnomAD no frequency). This variant has not been reported in the literature in individuals affected with TTN-related conditions. ClinVar contains an entry for this variant (Variation ID: 566747). Experimental studies and prediction algorithms are not available or were not evaluated, and the functional significance of this variant is currently unknown. In summary, the available evidence is currently insufficient to determine the role of this variant in disease. Therefore, it has been classified as a Variant of Uncertain Significance.

Literature cited by the submitters: PubMed 25589632; PubMed 23975875.